The following is an entry in ClinVar:

NC_000001.11:g.(?_17018881)_(17054019_?)del

Gene: SDHB (succinate dehydrogenase complex iron sulfur subunit B; minus strand). Cytogenetic location: 1p36.13.
Variant type: Deletion.
Identifiers: ClinVar variation 832529 (VCV000832529.14).

ClinVar aggregate classification (germline): Pathogenic (1 of 4 stars; one submission).

Conditions:
Pheochromocytoma/paraganglioma syndrome 4. Also called: CAROTID BODY TUMORS AND MULTIPLE EXTRAADRENAL PHEOCHROMOCYTOMAS; SDHB-Related Hereditary Paraganglioma-Pheochromocytoma Syndrome (Paragangliomas 4); SDHB-Related Hereditary Paraganglioma-Pheochromocytoma Syndrome; PARAGANGLIOMA, FAMILIAL MALIGNANT; PARAGANGLIOMAS, HEREDITARY EXTRAADRENAL; PHEOCHROMOCYTOMA, FAMILIAL EXTRAADRENAL. Identifiers: Orphanet 29072, MedGen C1861848, MONDO:0007273, OMIM 115310.
Gastrointestinal stromal tumor. Also called: Gastrointestinal stromal tumor, somatic; Gastrointestinal stroma tumor. Identifiers: Orphanet 44890, MedGen C0238198, MeSH D046152, MONDO:0011719, OMIM 606764, HP:0100723.
Pheochromocytoma. Also called: MAX-Related Hereditary Paraganglioma-Pheochromocytoma Syndrome. Identifiers: Orphanet 29072, MedGen C0031511, MONDO:0008233, OMIM 171300, HP:0002666.

Submission:

Labcorp Genetics (formerly Invitae), Labcorp
Classification: Pathogenic for Gastrointestinal stromal tumor; Pheochromocytoma/paraganglioma syndrome 4; Pheochromocytoma. Last evaluated: 2023-11-17. Review status: criteria provided, single submitter. Criteria: Invitae Variant Classification Sherloc (09022015). Collection method: clinical testing. Allele origin: germline.
Comment: A gross deletion of the genomic region encompassing the full coding sequence of the SDHB gene has been identified. Loss-of-function variants in SDHB are known to be pathogenic (PMID: 19454582, 19802898). The boundaries of this event are unknown as they extend beyond the assayed region for this gene and therefore may encompass additional genes. A similar copy number variant has been observed in individual(s) with paraganglioma (PMID: 16258955, 19351833). For these reasons, this variant has been classified as Pathogenic.

Literature cited by the submitters: PubMed 19454582; PubMed 19802898; PubMed 16258955; PubMed 19351833.